The following is an entry in ClinVar:

ClinVar aggregate classification (germline): Uncertain significance. Review status: criteria provided, multiple submitters, no conflicts (2 of 4 stars). 3 submissions from 3 submitters: Uncertain significance (3). Last evaluated 2024-05-02.

Conditions:
Hyperkalemic periodic paralysis. Also called: Familial hyperkalemic periodic paralysis; Gamstorp disease. Identifiers: Orphanet 682, MedGen C0238357, MONDO:0008224, OMIM 170500, HP:0007215.

Allele frequency attached by ClinVar (database versions not stated): ExAC 0.00004; ESP Exome Variant Server 0.00008.

Submissions (3):

GeneDx
Classification: Uncertain significance. Last evaluated: 2024-05-02. Review status: criteria provided, single submitter. Criteria: GeneDx Variant Classification Process June 2021. Collection method: clinical testing. Allele origin: germline. Affected: yes.
Comment: Not observed at significant frequency in large population cohorts (gnomAD); In silico analysis supports that this missense variant has a deleterious effect on protein structure/function; Has not been previously published as pathogenic or benign to our knowledge

Revvity Omics, Revvity
Classification: Uncertain significance. Last evaluated: 2023-05-30. Review status: criteria provided, single submitter. Criteria: ACMG Guidelines, 2015. Collection method: clinical testing. Allele origin: germline.

Labcorp Genetics (formerly Invitae), Labcorp
Classification: Uncertain significance for Hyperkalemic periodic paralysis. Last evaluated: 2022-09-18. Review status: criteria provided, single submitter. Criteria: Invitae Variant Classification Sherloc (09022015). Collection method: clinical testing. Allele origin: germline.
Comment: Advanced modeling of protein sequence and biophysical properties (such as structural, functional, and spatial information, amino acid conservation, physicochemical variation, residue mobility, and thermodynamic stability) performed at Invitae indicates that this missense variant is not expected to disrupt SCN4A protein function. This variant has not been reported in the literature in individuals affected with SCN4A-related conditions. This variant is present in population databases (rs371523329, gnomAD 0.02%). This sequence change replaces proline, which is neutral and non-polar, with leucine, which is neutral and non-polar, at codon 563 of the SCN4A protein (p.Pro563Leu). In summary, the available evidence is currently insufficient to determine the role of this variant in disease. Therefore, it has been classified as a Variant of Uncertain Significance.

NM_000334.4(SCN4A):c.1688C>T (p.Pro563Leu)

Gene: SCN4A (sodium voltage-gated channel alpha subunit 4; minus strand). Cytogenetic location: 17q23.3.
Variant type: single nucleotide variant.
Coding change: c.1688C>T on transcript NM_000334.4 (MANE Select); coding-DNA position 1688, C replaced by T.
Protein change: p.Pro563Leu; replaces proline 563 with leucine.
Molecular consequence: missense variant.
Genome position (GRCh38, 1-based): chr17:63,961,350, G>A on the plus strand (C>T on the coding strand, the complement: SCN4A is on the minus strand). VCF-style: chr17-63961350-G-A. GRCh37 (hg19) VCF-style: chr17-62038710-G-A.
Other names: short protein forms P563L.
Identifiers: ClinVar variation 1985095 (VCV001985095.7), dbSNP rs371523329, ClinGen allele CA8709760.